The following is an entry in ClinVar:

NM_001277372.4(KIAA2012):c.3384G>A (p.Thr1128=)

Gene: KIAA2012 (KIAA2012; plus strand). Cytogenetic location: 2q33.1.
Variant type: single nucleotide variant.
Coding change: c.3384G>A on transcript NM_001277372.4 (MANE Select); coding-DNA position 3384, G replaced by A.
Protein change: p.Thr1128=; no amino-acid change (threonine 1128 retained).
Molecular consequence: synonymous variant.
Genome position (GRCh38, 1-based): chr2:202,196,996, G>A. VCF-style: chr2-202196996-G-A. GRCh37 (hg19) VCF-style: chr2-203061719-G-A.
Other names: c.3381G>A, p.Thr1127= (NM_001367720.2).
Identifiers: ClinVar variation 2651824 (VCV002651824.24), dbSNP rs1436596373, ClinGen allele CA763412563.
Genomic context (GRCh38, chr2:202,196,996, plus strand): 5'-GGCAGAGGAGAGGAGGCAAAAAGAAGAGGAAGCAGCAAGACTGGCTCTGGAAGAAGCCAC[G>A]AAACAAGCCCAGGAACAAGCCAGGTACTGGATATTTGGGCAACAGTTGCCATAGGGGGAT-3'
Protein context (NP_001264301.2, residues 1118-1138): EAARLALEEA[Thr1128=]KQAQEQARQK

ClinVar aggregate classification (germline): Likely benign (1 of 4 stars; one submission).

Allele frequency attached by ClinVar (database versions not stated): gnomAD 0.00002; TOPMed 0.00002.
gnomAD v4.1: 17 of 1,550,468 alleles (0.0011%); highest among the groups gnomAD compares: Middle Eastern, 0.017%; no homozygotes.

Submission:

CeGaT Center for Human Genetics Tuebingen
Classification: Likely benign. Last evaluated: 2022-10-01. Review status: criteria provided, single submitter. Criteria: CeGaT Center For Human Genetics Tuebingen Variant Classification Criteria Version 2. Collection method: clinical testing. Allele origin: germline. Affected: yes. Observed: 1 variant allele.
Comment: KIAA2012: BP4, BP7